The following is an entry in ClinVar:

ClinVar aggregate classification (germline): Uncertain significance (1 of 4 stars; one submission).

Conditions:
Peroxisome biogenesis disorder 11A (Zellweger). Also called: Peroxisome biogenesis disorder 11A. Identifiers: Orphanet 912, MedGen C3554000, MONDO:0013949, OMIM 614883.

Submission:

Labcorp Genetics (formerly Invitae), Labcorp
Classification: Uncertain significance for Peroxisome biogenesis disorder 11A (Zellweger). Last evaluated: 2022-09-07. Review status: criteria provided, single submitter. Criteria: Invitae Variant Classification Sherloc (09022015). Collection method: clinical testing. Allele origin: germline.
Comment: In summary, the available evidence is currently insufficient to determine the role of this variant in disease. Therefore, it has been classified as a Variant of Uncertain Significance. Algorithms developed to predict the effect of missense changes on protein structure and function are either unavailable or do not agree on the potential impact of this missense change (SIFT: "Deleterious"; PolyPhen-2: "Benign"; Align-GVGD: "Class C0"). This variant has not been reported in the literature in individuals affected with PEX13-related conditions. This variant is not present in population databases (gnomAD no frequency). This sequence change replaces glutamine, which is neutral and polar, with histidine, which is basic and polar, at codon 45 of the PEX13 protein (p.Gln45His).

NM_002618.4(PEX13):c.135A>T (p.Gln45His)

Gene: PEX13 (peroxisomal biogenesis factor 13; plus strand). Cytogenetic location: 2p15.
Variant type: single nucleotide variant.
Coding change: c.135A>T on transcript NM_002618.4 (MANE Select); coding-DNA position 135, A replaced by T.
Protein change: p.Gln45His; replaces glutamine 45 with histidine.
Molecular consequence: missense variant.
Genome position (GRCh38, 1-based): chr2:61,031,461, A>T. VCF-style: chr2-61031461-A-T. GRCh37 (hg19) VCF-style: chr2-61258596-A-T.
Other names: short protein forms Q45H.
Identifiers: ClinVar variation 2008446 (VCV002008446.2), dbSNP rs754544454, ClinGen allele CA346941120.